The following is an entry in ClinVar:

NM_000051.4(ATM):c.862T>C (p.Tyr288His)

Gene: ATM (ATM serine/threonine kinase; plus strand). Cytogenetic location: 11q22.3.
Variant type: single nucleotide variant.
Coding change: c.862T>C on transcript NM_000051.4 (MANE Select); coding-DNA position 862, T replaced by C.
Protein change: p.Tyr288His; replaces tyrosine 288 with histidine.
Molecular consequence: missense variant.
Genome position (GRCh38, 1-based): chr11:108,244,987, T>C. VCF-style: chr11-108244987-T-C. GRCh37 (hg19) VCF-style: chr11-108115714-T-C.
Other names: c.862T>C, p.Tyr288His (NM_001351834.2); short protein forms Y288H.
Identifiers: ClinVar variation 628644 (VCV000628644.5), dbSNP rs1565372057, ClinGen allele CA382529504.

ClinVar aggregate classification (germline): Uncertain significance (1 of 4 stars; one submission).

Conditions:
Hereditary cancer-predisposing syndrome. Also called: Neoplastic Syndromes, Hereditary; Tumor predisposition; Hereditary neoplastic syndrome; Hereditary Cancer Syndrome. Identifiers: Orphanet 140162, MedGen C0027672, MeSH D009386, MONDO:0015356.

gnomAD v4.1: 1 of 1,612,306 alleles (0.000062%); no homozygotes.

Submission:

Color Diagnostics, LLC DBA Color Health
Classification: Uncertain significance for Hereditary cancer-predisposing syndrome. Last evaluated: 2023-12-05. Review status: criteria provided, single submitter. Criteria: ACMG Guidelines, 2015. Collection method: clinical testing. Allele origin: germline.
Comment: This missense variant replaces tyrosine with histidine at codon 288 of the ATM protein. Computational prediction suggests that this variant may not impact protein structure and function (internally defined REVEL score threshold <= 0.5, PMID: 27666373). To our knowledge, functional studies have not been reported for this variant. This variant has not been reported in individuals affected with ATM-related disorders in the literature. This variant has not been identified in the general population by the Genome Aggregation Database (gnomAD). The available evidence is insufficient to determine the role of this variant in disease conclusively. Therefore, this variant is classified as a Variant of Uncertain Significance.